The following is an entry in ClinVar:

ClinVar aggregate classification (germline): Benign/Likely benign. Review status: criteria provided, multiple submitters, no conflicts (2 of 4 stars). 6 submissions from 6 submitters: Benign (1); Likely benign (5). Last evaluated 2026-02-01.

Conditions:
Glycogen storage disease IXc (GSD9C). Also called: GSD IXc. Identifiers: Orphanet 264580, MedGen C2751643, MONDO:0013091, OMIM 613027.

Allele frequency attached by ClinVar (database versions not stated): gnomAD exomes 0.00039 and 0.00106; gnomAD 0.00059 and 0.00065; ESP Exome Variant Server 0.00062; TOPMed 0.00088; ExAC 0.00111; 1000 Genomes Project 0.00140; 1000 Genomes Project 30x 0.00156.
gnomAD v4.1: 738 of 1,613,966 alleles (0.046%); highest among the groups gnomAD compares: East Asian, 1.3%; 5 homozygotes.

Submissions (6):

Labcorp Genetics (formerly Invitae), Labcorp
Classification: Benign for Glycogen storage disease IXc. Last evaluated: 2026-02-01. Review status: criteria provided, single submitter. Criteria: Invitae Variant Classification Sherloc (09022015). Collection method: clinical testing. Allele origin: germline.

Mayo Clinic Laboratories, Mayo Clinic
Classification: Likely benign. Last evaluated: 2025-11-20. Review status: criteria provided, single submitter. Criteria: ACMG Guidelines, 2015. Collection method: clinical testing. Allele origin: germline. Observed: 4 variant alleles.
Comment: BA1, BS2, BP4, BP7

Blueprint Genetics
Classification: Likely benign. Last evaluated: 2024-09-13. Review status: criteria provided, single submitter. Criteria: ACMG Guidelines, 2015. Collection method: clinical testing. Allele origin: germline.

Illumina Laboratory Services, Illumina
Classification: Likely benign for Glycogen storage disease IXc. Last evaluated: 2018-01-12. Review status: criteria provided, single submitter. Criteria: ICSL Variant Classification Criteria 13 December 2019. Collection method: clinical testing. Allele origin: germline.
Comment: This variant was observed in the ICSL laboratory as part of a predisposition screen in an ostensibly healthy population. It had not been previously curated by ICSL or reported in the Human Gene Mutation Database (HGMD: prior to June 1st, 2018), and was therefore a candidate for classification through an automated scoring system. Utilizing variant allele frequency, disease prevalence and penetrance estimates, and inheritance mode, an automated score was calculated to assess if this variant is too frequent to cause the disease. Based on the score and internal cut-off values, a variant classified as likely benign is not then subjected to further curation. The score for this variant resulted in a classification of likely benign for this disease.

Breakthrough Genomics
Classification: Likely benign. Review status: criteria provided, single submitter. Criteria: ACMG Guidelines, 2015. Collection method: not provided. Allele origin: germline. Inheritance: Autosomal recessive inheritance. Affected: yes.

PreventionGenetics, part of Exact Sciences
Classification: Likely benign. Review status: criteria provided, single submitter. Criteria: ACMG Guidelines, 2015. Collection method: clinical testing. Allele origin: germline.

NM_000294.3(PHKG2):c.174A>T (p.Thr58=)

Gene: PHKG2 (phosphorylase kinase catalytic subunit gamma 2; plus strand). Cytogenetic location: 16p11.2.
Variant type: single nucleotide variant.
Coding change: c.174A>T on transcript NM_000294.3 (MANE Select); coding-DNA position 174, A replaced by T.
Protein change: p.Thr58=; no amino-acid change (threonine 58 retained).
Molecular consequence: synonymous variant.
Genome position (GRCh38, 1-based): chr16:30,751,184, A>T. VCF-style: chr16-30751184-A-T. GRCh37 (hg19) VCF-style: chr16-30762505-A-T.
Other names: p.Thr58=; c.174A>T, p.Thr58= (NM_001172432.2).
Identifiers: ClinVar variation 255781 (VCV000255781.19), dbSNP rs56207641, ClinGen allele CA8013050.